The following is an entry in ClinVar:

NM_000465.4(BARD1):c.1601C>A (p.Thr534Lys)

Gene: BARD1 (BRCA1 associated RING domain 1; minus strand). Cytogenetic location: 2q35.
Variant type: single nucleotide variant.
Coding change: c.1601C>A on transcript NM_000465.4 (MANE Select); coding-DNA position 1601, C replaced by A.
Protein change: p.Thr534Lys; replaces threonine 534 with lysine.
Molecular consequence: missense variant. On other transcripts: non-coding transcript variant (3), intron variant (1).
Genome position (GRCh38, 1-based): chr2:214,752,523, G>T on the plus strand (C>A on the coding strand, the complement: BARD1 is on the minus strand). VCF-style: chr2-214752523-G-T. GRCh37 (hg19) VCF-style: chr2-215617247-G-T.
Other names: c.1544C>A, p.Thr515Lys (NM_001282543.2); c.248C>A, p.Thr83Lys (NM_001282545.2); c.191C>A, p.Thr64Lys (NM_001282548.2); c.365-22015C>A (NM_001282549.2); short protein forms T515K, T534K, T64K, T83K.
Identifiers: ClinVar variation 1717579 (VCV001717579.5), dbSNP rs374293292, ClinGen allele CA350454928.
Genomic context (GRCh38, chr2:214,752,523, plus strand): 5'-GCTGAGGATGATTCATTCTTCTCTGGTAGCAGCAATAGCGATTTCATACTTTCATCATCT[G>T]TATAATCGACAGGCCGCAGACCAAATATATTACTGGTAAAATAAGTGCAGATGTGTTTAA-3'
Protein context (NP_000456.2, residues 524-544): NIFGLRPVDY[Thr534Lys]DDESMKSLLL

ClinVar aggregate classification (germline): Uncertain significance (1 of 4 stars; one submission).

Conditions:
Familial cancer of breast. Also called: BREAST CANCER, FAMILIAL; hereditary breast carcinoma; Hereditary breast cancer. Identifiers: Orphanet 227535, MedGen C0346153, MONDO:0016419, OMIM 114480. Disease mechanism: loss of function.

Submission:

Labcorp Genetics (formerly Invitae), Labcorp
Classification: Uncertain significance for Familial cancer of breast. Last evaluated: 2025-12-29. Review status: criteria provided, single submitter. Criteria: Invitae Variant Classification Sherloc (09022015). Collection method: clinical testing. Allele origin: germline.
Comment: This sequence change replaces threonine, which is neutral and polar, with lysine, which is basic and polar, at codon 534 of the BARD1 protein (p.Thr534Lys). This variant is not present in population databases (gnomAD no frequency). This variant has not been reported in the literature in individuals affected with BARD1-related conditions. ClinVar contains an entry for this variant (Variation ID: 1717579). An algorithm developed to predict the effect of missense changes on protein structure and function (PolyPhen-2) suggests that this variant is likely to be tolerated. In summary, the available evidence is currently insufficient to determine the role of this variant in disease. Therefore, it has been classified as a Variant of Uncertain Significance.